The following is an entry in ClinVar:

ClinVar aggregate classification (germline): Conflicting classifications of pathogenicity. Review status: criteria provided, conflicting classifications (1 of 4 stars). 2 submissions from 2 submitters: Uncertain significance (1); Likely benign (1). Last evaluated 2023-03-23.

Conditions:
Hereditary cancer-predisposing syndrome. Also called: Neoplastic Syndromes, Hereditary; Tumor predisposition; Hereditary neoplastic syndrome; Hereditary Cancer Syndrome. Identifiers: Orphanet 140162, MedGen C0027672, MeSH D009386, MONDO:0015356.

Submissions (2):

University of Washington Department of Laboratory Medicine, University of Washington
Classification: Likely benign for Hereditary cancer-predisposing syndrome. Last evaluated: 2023-03-23. Review status: criteria provided, single submitter. Criteria: Dines et al. (Genet Med. 2020). Collection method: curation. Allele origin: germline.
Comment: Missense variant in a coldspot region where missense variants are very unlikely to be pathogenic (PMID:31911673).

BRCA1 coldspot (exon 11 using historical exon numbering). Reclassification based on statistical prior probability

Ambry Genetics
Classification: Uncertain significance for Hereditary cancer-predisposing syndrome. Last evaluated: 2019-06-03. Review status: criteria provided, single submitter. Criteria: Ambry Variant Classification Scheme 2023. Collection method: clinical testing. Allele origin: germline.
Comment: The p.R1243K variant (also known as c.3728G>A), located in coding exon 9 of the BRCA1 gene, results from a G to A substitution at nucleotide position 3728. The arginine at codon 1243 is replaced by lysine, an amino acid with highly similar properties. This amino acid position is poorly conserved in available vertebrate species. In addition, this alteration is predicted to be tolerated by in silico analysis. Since supporting evidence is limited at this time, the clinical significance of this alteration remains unclear.

NM_007294.4(BRCA1):c.3728G>A (p.Arg1243Lys)

Genes: BRCA1 (BRCA1 DNA repair associated; minus strand), LOC126862571 (BRD4-independent group 4 enhancer GRCh37_chr17:41243136-41244335; plus strand). Cytogenetic location: 17q21.31.
Variant type: single nucleotide variant.
Coding change: c.3728G>A on transcript NM_007294.4 (MANE Select); coding-DNA position 3728, G replaced by A.
Protein change: p.Arg1243Lys; replaces arginine 1243 with lysine.
Molecular consequence: missense variant. On other transcripts: intron variant (135).
Genome position (GRCh38, 1-based): chr17:43,091,803, C>T on the plus strand (G>A on the coding strand, the complement: BRCA1 is on the minus strand). VCF-style: chr17-43091803-C-T. GRCh37 (hg19) VCF-style: chr17-41243820-C-T.
Other names: c.647-771G>A (NM_001408456.1, NM_001408458.1, NM_001408469.1 and 11 more transcripts); c.644-771G>A (NM_001408465.1, NM_001408463.1, NM_001408470.1 and 3 more transcripts); c.524-771G>A (NM_001408499.1, NM_001408498.1, NM_001408501.1 and 3 more transcripts); c.671-771G>A (NM_001408422.1, NM_001408423.1, NM_001408420.1 and 2 more transcripts); c.707-771G>A (NM_001408416.1, NM_001408413.1); c.578-771G>A (NM_001408484.1, NM_001408482.1, NM_001408481.1 and 9 more transcripts); c.521-771G>A (NM_001408504.1, NM_001408503.1, NM_001408505.1); c.3515G>A, p.Arg1172Lys (NM_001407895.1, NM_001407896.1, NM_001407897.1 and 9 more transcripts); and 41 more; short protein forms R1196K, R1243K, R1132K, R1154K, R1172K, R1202K, R1216K, R1175K.
Identifiers: ClinVar variation 824131 (VCV000824131.7), dbSNP rs1597861763, ClinGen allele CA10594515.